The following is an entry in ClinVar:

NM_000540.3(RYR1):c.5778G>C (p.Leu1926=)

Gene: RYR1 (ryanodine receptor 1; plus strand). Cytogenetic location: 19q13.2.
Variant type: single nucleotide variant.
Coding change: c.5778G>C on transcript NM_000540.3 (MANE Select); coding-DNA position 5778, G replaced by C.
Protein change: p.Leu1926=; no amino-acid change (leucine 1926 retained).
Molecular consequence: synonymous variant.
Genome position (GRCh38, 1-based): chr19:38,489,407, G>C. VCF-style: chr19-38489407-G-C. GRCh37 (hg19) VCF-style: chr19-38980047-G-C.
Other names: c.5778G>C, p.Leu1926= (NM_001042723.2).
Identifiers: ClinVar variation 508277 (VCV000508277.13), dbSNP rs754492782, ClinGen allele CA067446.
Genomic context (GRCh38, chr19:38,489,407, plus strand): 5'-GGAAAAAGAGGAAGAGGAGGCAGCAGAAGGGGAGAAAGAAGAAGGCTTGGAGGAAGGGCT[G>C]CTCCAGATGAAGTTGCCAGAGTCTGTGAAGTTACAGGTGGGCTGCTGCTTCCTGCTTTTC-3'
Protein context (NP_000531.2, residues 1916-1936): GEKEEGLEEG[Leu1926=]LQMKLPESVK

ClinVar aggregate classification (germline): Likely benign. Review status: criteria provided, multiple submitters, no conflicts (2 of 4 stars). 5 submissions from 5 submitters: Likely benign (5). Last evaluated 2026-05-27.

Conditions:
RYR1-related disorder. Also called: RYR1-related disorders; RYR1-related condition. Identifiers: MedGen CN239331.
Malignant hyperthermia, susceptibility to, 1 (MHS1). Also called: Anesthesia related hyperthermia; Malignant hyperpyrexia; Fulminating hyperpyrexia; Pharmacogenic myopathy; RYR1-Related Malignant Hyperthermia Susceptibility; Malignant hyperthermia suceptibility 1. Identifiers: Orphanet 423, MedGen C2930980, MONDO:0007783, OMIM 145600.

Allele frequency attached by ClinVar (database versions not stated): gnomAD 0.00001; TOPMed 0.00002; ExAC 0.00003; gnomAD exomes 0.00004 and 0.00007.
gnomAD v4.1: 99 of 1,613,938 alleles (0.0061%); highest among the groups gnomAD compares: Middle Eastern, 0.016%; no homozygotes.

Submissions (5):

Women's Health and Genetics/Laboratory Corporation of America, LabCorp
Classification: Likely benign. Last evaluated: 2026-05-27. Review status: criteria provided, single submitter. Criteria: LabCorp Variant Classification Summary - May 2015. Collection method: clinical testing. Allele origin: germline.

Labcorp Genetics (formerly Invitae), Labcorp
Classification: Likely benign for RYR1-related disorder. Last evaluated: 2025-08-10. Review status: criteria provided, single submitter. Criteria: Invitae Variant Classification Sherloc (09022015). Collection method: clinical testing. Allele origin: germline.

Color Diagnostics, LLC DBA Color Health
Classification: Likely benign for Malignant hyperthermia, susceptibility to, 1. Last evaluated: 2023-05-23. Review status: criteria provided, single submitter. Criteria: ACMG Guidelines, 2015. Collection method: clinical testing. Allele origin: germline.

Blueprint Genetics
Classification: Likely benign. Last evaluated: 2022-11-18. Review status: criteria provided, single submitter. Criteria: ACMG Guidelines, 2015. Collection method: clinical testing. Allele origin: germline.

GeneDx
Classification: Likely benign. Last evaluated: 2017-03-27. Review status: criteria provided, single submitter. Criteria: GeneDx Variant Classification (06012015). Collection method: clinical testing. Allele origin: germline. Affected: yes.
Comment: This variant is considered likely benign or benign based on one or more of the following criteria: it is a conservative change, it occurs at a poorly conserved position in the protein, it is predicted to be benign by multiple in silico algorithms, and/or has population frequency not consistent with disease.